The following is an entry in ClinVar:

ClinVar aggregate classification (germline): Uncertain significance (1 of 4 stars; one submission).

Conditions:
Perlman syndrome (PRLMNS). Identifiers: Orphanet 2849, MedGen C0796113, MONDO:0009965, OMIM 267000.

gnomAD v4.1: 1 of 1,613,952 alleles (0.000062%); highest among the groups gnomAD compares: Non-Finnish European, 0.000085%; no homozygotes.

Submission:

Labcorp Genetics (formerly Invitae), Labcorp
Classification: Uncertain significance for Perlman syndrome. Last evaluated: 2025-04-16. Review status: criteria provided, single submitter. Criteria: Invitae Variant Classification Sherloc (09022015). Collection method: clinical testing. Allele origin: germline.
Comment: This sequence change replaces valine, which is neutral and non-polar, with alanine, which is neutral and non-polar, at codon 306 of the DIS3L2 protein (p.Val306Ala). This variant is not present in population databases (gnomAD no frequency). This variant has not been reported in the literature in individuals affected with DIS3L2-related conditions. ClinVar contains an entry for this variant (Variation ID: 1388900). Invitae Evidence Modeling of protein sequence and biophysical properties (such as structural, functional, and spatial information, amino acid conservation, physicochemical variation, residue mobility, and thermodynamic stability) indicates that this missense variant is not expected to disrupt DIS3L2 protein function with a negative predictive value of 80%. In summary, the available evidence is currently insufficient to determine the role of this variant in disease. Therefore, it has been classified as a Variant of Uncertain Significance.

NM_152383.5(DIS3L2):c.917T>C (p.Val306Ala)

Gene: DIS3L2 (DIS3 like 3'-5' exoribonuclease 2; plus strand). Cytogenetic location: 2q37.1.
Variant type: single nucleotide variant.
Coding change: c.917T>C on transcript NM_152383.5 (MANE Select); coding-DNA position 917, T replaced by C.
Protein change: p.Val306Ala; replaces valine 306 with alanine.
Molecular consequence: missense variant. On other transcripts: non-coding transcript variant (1).
Genome position (GRCh38, 1-based): chr2:232,136,686, T>C. VCF-style: chr2-232136686-T-C. GRCh37 (hg19) VCF-style: chr2-233001396-T-C.
Other names: c.917T>C, p.Val306Ala (NM_001257281.2); short protein forms V306A.
Identifiers: ClinVar variation 1388900 (VCV001388900.8), dbSNP rs1698368187, ClinGen allele CA351153873.